The following is an entry in ClinVar:

ClinVar aggregate classification (germline): Uncertain significance (1 of 4 stars; one submission).

Allele frequency attached by ClinVar (database versions not stated): TOPMed 0.00001; gnomAD exomes 0.00003.
gnomAD v4.1: 26 of 1,084,776 alleles (0.0024%); highest among the groups gnomAD compares: Non-Finnish European, 0.0029%; no homozygotes.

Submission:

Labcorp Genetics (formerly Invitae), Labcorp
Classification: Uncertain significance. Last evaluated: 2022-06-17. Review status: criteria provided, single submitter. Criteria: Invitae Variant Classification Sherloc (09022015). Collection method: clinical testing. Allele origin: germline.
Comment: This sequence change replaces alanine, which is neutral and non-polar, with valine, which is neutral and non-polar, at codon 49 of the OTULIN protein (p.Ala49Val). This variant is not present in population databases (gnomAD no frequency). This variant has not been reported in the literature in individuals affected with OTULIN-related conditions. Algorithms developed to predict the effect of missense changes on protein structure and function are either unavailable or do not agree on the potential impact of this missense change (SIFT: "Deleterious"; PolyPhen-2: "Benign"; Align-GVGD: "Class C0"). In summary, the available evidence is currently insufficient to determine the role of this variant in disease. Therefore, it has been classified as a Variant of Uncertain Significance.

NM_138348.6(OTULIN):c.146C>T (p.Ala49Val)

Gene: OTULIN (OTU deubiquitinase with linear linkage specificity; plus strand). Cytogenetic location: 5p15.2.
Variant type: single nucleotide variant.
Coding change: c.146C>T on transcript NM_138348.6 (MANE Select); coding-DNA position 146, C replaced by T.
Protein change: p.Ala49Val; replaces alanine 49 with valine.
Molecular consequence: missense variant.
Genome position (GRCh38, 1-based): chr5:14,664,971, C>T. VCF-style: chr5-14664971-C-T. GRCh37 (hg19) VCF-style: chr5-14665080-C-T.
Other names: short protein forms A49V.
Identifiers: ClinVar variation 1925028 (VCV001925028.2), dbSNP rs1579955423, ClinGen allele CA359242336.